The following is an entry in ClinVar:

NC_000020.10:g.(?_13782122)_(13782529_?)del

Gene: NDUFAF5 (NADH:ubiquinone oxidoreductase complex assembly factor 5; plus strand). Cytogenetic location: 20p12.1.
Variant type: Deletion.
Identifiers: ClinVar variation 2426806 (VCV002426806.3).

ClinVar aggregate classification (germline): Pathogenic (1 of 4 stars; one submission).

Submission:

Labcorp Genetics (formerly Invitae), Labcorp
Classification: Pathogenic. Last evaluated: 2023-09-08. Review status: criteria provided, single submitter. Criteria: Invitae Variant Classification Sherloc (09022015). Collection method: clinical testing. Allele origin: germline.
Comment: For these reasons, this variant has been classified as Pathogenic. This variant disrupts a region of the NDUFAF5 protein in which other variant(s) (p.Leu229Pro) have been determined to be pathogenic (PMID: 18940309, 23536703). This suggests that this is a clinically significant region of the protein, and that variants that disrupt it are likely to be disease-causing. This variant has not been reported in the literature in individuals affected with NDUFAF5-related conditions. This variant is a gross deletion of the genomic region encompassing exon(s) 7 of the NDUFAF5 gene. This variant would be expected to be in-frame, preserving the integrity of the reading frame.

Literature cited by the submitters: PubMed 18940309; PubMed 23536703.